The following is an entry in ClinVar:

NM_020247.5(COQ8A):c.1383_1384insTTTGG (p.Glu462fs)

Gene: COQ8A (coenzyme Q8A; plus strand). Cytogenetic location: 1q42.13.
Variant type: Insertion.
Coding change: c.1383_1384insTTTGG on transcript NM_020247.5 (MANE Select); coding-DNA positions 1383 to 1384, TTTGG inserted.
Protein change: p.Glu462fs; shifts the reading frame from glutamic acid 462.
Molecular consequence: frameshift variant.
Genome position: GRCh38 VCF-style: chr1-226984219-A-AGTTTG. GRCh37 (hg19) VCF-style: chr1-227171920-A-AGTTTG.
Other names: short protein forms E462fs.
Identifiers: ClinVar variation 930765 (VCV000930765.3), dbSNP rs1659926175, ClinGen allele CA1139656608.

ClinVar aggregate classification (germline): Likely pathogenic (1 of 4 stars; one submission).

Submission:

Centre for Mendelian Genomics, University Medical Centre Ljubljana
Classification: Likely pathogenic. Last evaluated: 2019-08-21. Review status: criteria provided, single submitter. Criteria: ACMG Guidelines, 2015. Collection method: clinical testing. Allele origin: unknown. Affected: yes.
Comment: This variant was classified as: Likely pathogenic. The following ACMG criteria were applied in classifying this variant: PVS1,PM2.